The following is an entry in ClinVar:

NM_004984.4(KIF5A):c.2039T>C (p.Val680Ala)

Gene: KIF5A (kinesin family member 5A; plus strand). Cytogenetic location: 12q13.3.
Variant type: single nucleotide variant.
Coding change: c.2039T>C on transcript NM_004984.4 (MANE Select); coding-DNA position 2039, T replaced by C.
Protein change: p.Val680Ala; replaces valine 680 with alanine.
Molecular consequence: missense variant.
Genome position (GRCh38, 1-based): chr12:57,576,102, T>C. VCF-style: chr12-57576102-T-C. GRCh37 (hg19) VCF-style: chr12-57969885-T-C.
Other names: c.1772T>C, p.Val591Ala (NM_001354705.2); short protein forms V680A, V591A.
Identifiers: ClinVar variation 2710292 (VCV002710292.3), dbSNP rs1882415398, ClinGen allele CA385510931.
Genomic context (GRCh38, chr12:57,576,102, plus strand): 5'-AAAGAGGTAGGTTTGATGTCAGCTGTCTTCCCCTCTTTCCCTTAGAAACTGTGCATGAAG[T>C]GGCCCTGAAGGACAAGGAGCCTGACACTCAGGATGCAGATGAAGTGAAGGTGAGTAAGGA-3'
Protein context (NP_004975.2, residues 670-690): KLQAQETVHE[Val680Ala]ALKDKEPDTQ

ClinVar aggregate classification (germline): Uncertain significance (1 of 4 stars; one submission).

Conditions:
Spastic paraplegia. Identifiers: MedGen C0037772, HP:0001258.

Allele frequency attached by ClinVar (database versions not stated): gnomAD exomes below 0.00001; TOPMed below 0.00001.

Submission:

Labcorp Genetics (formerly Invitae), Labcorp
Classification: Uncertain significance for Spastic paraplegia. Last evaluated: 2024-01-19. Review status: criteria provided, single submitter. Criteria: Invitae Variant Classification Sherloc (09022015). Collection method: clinical testing. Allele origin: germline.
Comment: This sequence change replaces valine, which is neutral and non-polar, with alanine, which is neutral and non-polar, at codon 680 of the KIF5A protein (p.Val680Ala). This variant is not present in population databases (gnomAD no frequency). This variant has not been reported in the literature in individuals affected with KIF5A-related conditions. Advanced modeling of protein sequence and biophysical properties (such as structural, functional, and spatial information, amino acid conservation, physicochemical variation, residue mobility, and thermodynamic stability) performed at Invitae indicates that this missense variant is not expected to disrupt KIF5A protein function with a negative predictive value of 95%. In summary, the available evidence is currently insufficient to determine the role of this variant in disease. Therefore, it has been classified as a Variant of Uncertain Significance.